The following is an entry in ClinVar:

NM_015971.4(MRPS7):c.523C>T (p.Pro175Ser)

Gene: MRPS7 (mitochondrial ribosomal protein S7; plus strand). Cytogenetic location: 17q25.1.
Variant type: single nucleotide variant.
Coding change: c.523C>T on transcript NM_015971.4 (MANE Select); coding-DNA position 523, C replaced by T.
Protein change: p.Pro175Ser; replaces proline 175 with serine.
Molecular consequence: missense variant.
Genome position (GRCh38, 1-based): chr17:75,265,717, C>T. VCF-style: chr17-75265717-C-T. GRCh37 (hg19) VCF-style: chr17-73261798-C-T.
Other names: p.Pro175Ser; short protein forms P175S.
Identifiers: ClinVar variation 4542217 (VCV004542217.1).
Genomic context (GRCh38, chr17:75,265,717, plus strand): 5'-CTGGCAGACTCTTGGACCAACTTGCCTATGTCCTGTCTCACCCAGGTCCCTGTACCCCTA[C>T]CCGACCGGCGTCGCCGCTTCCTAGCCATGAAGTGGATGATCACTGAGTGCCGGGATAAAA-3'
Protein context (NP_057055.2, residues 165-185): GRFYQVPVPL[Pro175Ser]DRRRRFLAMK

ClinVar aggregate classification (germline): Uncertain significance (1 of 4 stars; one submission).

gnomAD v4.1: 7 of 1,613,880 alleles (0.00043%); highest among the groups gnomAD compares: African/African-American, 0.0093%; no homozygotes.

Submission:

Mayo Clinic Laboratories, Mayo Clinic
Classification: Uncertain significance. Last evaluated: 2025-08-30. Review status: criteria provided, single submitter. Criteria: ACMG Guidelines, 2015. Collection method: clinical testing. Allele origin: germline. Observed: 1 variant allele.
Comment: BP4_strong